The following is an entry in ClinVar:

NM_000289.6(PFKM):c.1514G>T (p.Gly505Val)

Gene: PFKM (phosphofructokinase, muscle; plus strand). Cytogenetic location: 12q13.11.
Variant type: single nucleotide variant.
Coding change: c.1514G>T on transcript NM_000289.6 (MANE Select); coding-DNA position 1514, G replaced by T.
Protein change: p.Gly505Val; replaces glycine 505 with valine.
Molecular consequence: missense variant. On other transcripts: non-coding transcript variant (6).
Genome position (GRCh38, 1-based): chr12:48,141,927, G>T. VCF-style: chr12-48141927-G-T. GRCh37 (hg19) VCF-style: chr12-48535710-G-T.
Other names: c.1727G>T, p.Gly576Val (NM_001166686.2, NM_001354737.1, NM_001354738.1 and 1 more transcripts); c.1514G>T, p.Gly505Val (NM_001166687.2, NM_001166688.2, NM_001354742.2 and 2 more transcripts); c.1823G>T, p.Gly608Val (NM_001354735.1, NM_001354736.1); c.1658G>T, p.Gly553Val (NM_001354740.1); c.1538G>T, p.Gly513Val (NM_001354741.2); c.1427G>T, p.Gly476Val (NM_001354745.2); c.1388G>T, p.Gly463Val (NM_001354746.2); c.1364G>T, p.Gly455Val (NM_001354747.2, NM_001354748.2); and 1 more; short protein forms G505V, G474V, G513V, G576V, G455V, G463V, G476V, G553V.
Identifiers: ClinVar variation 1464037 (VCV001464037.3), dbSNP rs774891977, ClinGen allele CA384552367.
Genomic context (GRCh38, chr12:48,141,927, plus strand): 5'-CTCCTCTCCCTCTCCCCAATCCTGCCCTTGTGCTCTCTTCTTCTTAGGCTTACACAGGGG[G>T]CCTGGAACTGATGGAGGGCAGGAAGCAGTTTGATGAGCTCTGCATCCCATTTGTGGTCAT-3'
Protein context (NP_000280.1, residues 495-515): IIGGFEAYTG[Gly505Val]LELMEGRKQF

ClinVar aggregate classification (germline): Uncertain significance (1 of 4 stars; one submission).

Conditions:
Glycogen storage disease, type VII (GSD7). Also called: PFKM DEFICIENCY; GSD VII; TARUI DISEASE; MUSCLE PHOSPHOFRUCTOKINASE DEFICIENCY. Identifiers: Orphanet 371, MedGen C0017926, MONDO:0009295, OMIM 232800.

gnomAD v4.1: 1 of 1,614,036 alleles (0.000062%); highest among the groups gnomAD compares: East Asian, 0.0022%; no homozygotes.

Submission:

Labcorp Genetics (formerly Invitae), Labcorp
Classification: Uncertain significance for Glycogen storage disease, type VII. Last evaluated: 2022-05-04. Review status: criteria provided, single submitter. Criteria: Invitae Variant Classification Sherloc (09022015). Collection method: clinical testing. Allele origin: germline.
Comment: This sequence change replaces glycine, which is neutral and non-polar, with valine, which is neutral and non-polar, at codon 505 of the PFKM protein (p.Gly505Val). This variant is not present in population databases (gnomAD no frequency). This variant has not been reported in the literature in individuals affected with PFKM-related conditions. Algorithms developed to predict the effect of missense changes on protein structure and function are either unavailable or do not agree on the potential impact of this missense change (SIFT: "Tolerated"; PolyPhen-2: "Possibly Damaging"; Align-GVGD: "Class C0"). In summary, the available evidence is currently insufficient to determine the role of this variant in disease. Therefore, it has been classified as a Variant of Uncertain Significance.